The following is an entry in ClinVar:

NM_001010892.3(RSPH4A):c.1662+15C>T

Gene: RSPH4A (radial spoke head component 4A; plus strand). Cytogenetic location: 6q22.1.
Variant type: single nucleotide variant.
Coding change: c.1662+15C>T on transcript NM_001010892.3 (MANE Select); 15 bases into the intron after coding-DNA position 1662, C replaced by T.
Molecular consequence: intron variant.
Genome position (GRCh38, 1-based): chr6:116,628,384, C>T. VCF-style: chr6-116628384-C-T. GRCh37 (hg19) VCF-style: chr6-116949547-C-T.
Other names: c.1662+15C>T (NM_001161664.2).
Identifiers: ClinVar variation 227901 (VCV000227901.18), dbSNP rs183372450, ClinGen allele CA3970992.
Genomic context (GRCh38, chr6:116,628,384, plus strand): 5'-ATCCCTATCCAATTGGGTTCATCATGTACAGCATATTCTCTCTCAGGTAGGAGCTTTGCA[C>T]TTCTCAATCTATCAGGTAATTAGGCAAATATTCATTAAATGGTCACTATAATGCACAAAG-3'

ClinVar aggregate classification (germline): Conflicting classifications of pathogenicity. Review status: criteria provided, conflicting classifications (1 of 4 stars). 4 submissions from 4 submitters: Uncertain significance (1); Benign (1); Likely benign (2). Last evaluated 2026-02-01.

Conditions:
Primary ciliary dyskinesia 11. Also called: CILIARY DYSKINESIA, PRIMARY, 11, WITHOUT SITUS INVERSUS. Identifiers: Orphanet 244, MedGen C2675229, MONDO:0012978, OMIM 612649.
Primary ciliary dyskinesia. Also called: Ciliary dyskinesia. Identifiers: Orphanet 244, MedGen C0008780, MONDO:0016575, HP:0012265.

Allele frequency attached by ClinVar (database versions not stated): 1000 Genomes Project 0.00060; 1000 Genomes Project 30x 0.00062; TOPMed 0.00124; gnomAD 0.00135 and 0.00141; gnomAD exomes 0.00162; ExAC 0.00168; ESP Exome Variant Server 0.00169.
gnomAD v4.1: 2,601 of 1,584,112 alleles (0.16%); highest among the groups gnomAD compares: Non-Finnish European, 0.18%; 8 homozygotes.

Submissions (4):

Labcorp Genetics (formerly Invitae), Labcorp
Classification: Benign for Primary ciliary dyskinesia. Last evaluated: 2026-02-01. Review status: criteria provided, single submitter. Criteria: Invitae Variant Classification Sherloc (09022015). Collection method: clinical testing. Allele origin: germline.

Blueprint Genetics
Classification: Likely benign. Last evaluated: 2024-11-22. Review status: criteria provided, single submitter. Criteria: ACMG Guidelines, 2015. Collection method: clinical testing. Allele origin: germline.

Illumina Laboratory Services, Illumina
Classification: Uncertain significance for Primary ciliary dyskinesia 11. Last evaluated: 2018-01-13. Review status: criteria provided, single submitter. Criteria: ICSL Variant Classification Criteria 13 December 2019. Collection method: clinical testing. Allele origin: germline.

Laboratory for Molecular Medicine, Mass General Brigham Personalized Medicine
Classification: Likely benign. Last evaluated: 2016-01-29. Review status: criteria provided, single submitter. Criteria: LMM Criteria. Collection method: clinical testing. Allele origin: germline. Observed: 1 variant allele.
Comment: c.1662+15C>T in intron 3 of RSPH4A: This variant is not expected to have clinica l significance because it is not located within the splice consensus sequence. I t has been identified in 0.2% (164/65466) of European chromosomes, including 2 h omozygotes, by the Exome Aggregation Consortium (ExAC; dbSNP rs183372450).